The following is an entry in ClinVar:

ClinVar aggregate classification (germline): Pathogenic/Likely pathogenic. Review status: criteria provided, multiple submitters, no conflicts (2 of 4 stars). 3 submissions from 3 submitters: Pathogenic (1); Likely pathogenic (2). Last evaluated 2026-04-23.

Conditions:
Cardiovascular phenotype. Identifiers: MedGen CN230736.
Hereditary cancer-predisposing syndrome. Also called: Hereditary neoplastic syndrome; Tumor predisposition; Neoplastic Syndromes, Hereditary; Hereditary Cancer Syndrome. Identifiers: Orphanet 140162, MedGen C0027672, MeSH D009386, MONDO:0015356.
Neurofibromatosis, type 1 (NF1). Also called: NEUROFIBROMATOSIS, TYPE I, SOMATIC; Neurofibromatosis, type I; VON RECKLINGHAUSEN DISEASE; Peripheral type neurofibromatosis. Identifiers: Orphanet 636, MedGen C0027831, MONDO:0018975, OMIM 162200. Disease mechanism: loss of function.

Allele frequency attached by ClinVar (database versions not stated): gnomAD exomes below 0.00001.
gnomAD v4.1: 1 of 1,613,908 alleles (0.000062%); highest among the groups gnomAD compares: Non-Finnish European, 0.000085%; no homozygotes.

Submissions (3):

Ambry Genetics
Classification: Likely pathogenic for Cardiovascular phenotype; Hereditary cancer-predisposing syndrome. Last evaluated: 2026-04-23. Review status: criteria provided, single submitter. Criteria: Ambry Variant Classification Scheme 2023. Collection method: clinical testing. Allele origin: germline.
Comment: The p.P1395L variant (also known as c.4184C>T), located in coding exon 31 of the NF1 gene, results from a C to T substitution at nucleotide position 4184. The proline at codon 1395 is replaced by leucine, an amino acid with similar properties. This variant was determined to be de novo in at least one individual with features consistent with Neurofibromatosis type 1 (external communication). This amino acid position is highly conserved in available vertebrate species. In addition, this alteration is predicted to be deleterious by in silico analysis. Based on the majority of available evidence to date, this variant is likely to be pathogenic.

Labcorp Genetics (formerly Invitae), Labcorp
Classification: Pathogenic for Neurofibromatosis, type 1. Last evaluated: 2025-03-03. Review status: criteria provided, single submitter. Criteria: Invitae Variant Classification Sherloc (09022015). Collection method: clinical testing. Allele origin: germline.
Comment: This sequence change replaces proline, which is neutral and non-polar, with leucine, which is neutral and non-polar, at codon 1395 of the NF1 protein (p.Pro1395Leu). This variant is not present in population databases (gnomAD no frequency). This missense change has been observed in individual(s) with Neurofibromatosis type 1 (internal data). In at least one individual the variant was observed to be de novo. ClinVar contains an entry for this variant (Variation ID: 484031). Invitae Evidence Modeling of protein sequence and biophysical properties (such as structural, functional, and spatial information, amino acid conservation, physicochemical variation, residue mobility, and thermodynamic stability) indicates that this missense variant is expected to disrupt NF1 protein function with a positive predictive value of 95%. For these reasons, this variant has been classified as Pathogenic.

CeGaT Center for Human Genetics Tuebingen
Classification: Likely pathogenic. Last evaluated: 2023-07-01. Review status: criteria provided, single submitter. Criteria: CeGaT Center For Human Genetics Tuebingen Variant Classification Criteria Version 2. Collection method: clinical testing. Allele origin: germline. Affected: yes. Observed: 1 variant allele.
Comment: NF1: PM1, PM2, PM5, PP3, PP4

NM_001042492.3(NF1):c.4247C>T (p.Pro1416Leu)

Gene: NF1 (neurofibromin 1; plus strand). Cytogenetic location: 17q11.2.
Variant type: single nucleotide variant.
Coding change: c.4247C>T on transcript NM_001042492.3 (MANE Select); coding-DNA position 4247, C replaced by T.
Protein change: p.Pro1416Leu; replaces proline 1416 with leucine.
Molecular consequence: missense variant.
Genome position (GRCh38, 1-based): chr17:31,258,417, C>T. VCF-style: chr17-31258417-C-T. GRCh37 (hg19) VCF-style: chr17-29585435-C-T.
Other names: c.4184C>T, p.Pro1395Leu (NM_000267.4); short protein forms P1416L, P1395L.
Identifiers: ClinVar variation 484031 (VCV000484031.32), dbSNP rs1555618521, ClinGen allele CA398997890.
Genomic context (GRCh38, chr17:31,258,417, plus strand): 5'-GTTTCCCTCAGAACAGCATCGGTGCAGTAGGAAGTGCCATGTTCCTCAGATTTATCAATC[C>T]TGCCATTGTCTCACCGTATGAAGCAGGGATTTTAGATAAAAAGCCACCACCTAGAATCGA-3'
Protein context (NP_001035957.1, residues 1406-1426): GSAMFLRFIN[Pro1416Leu]AIVSPYEAGI